The following is an entry in ClinVar:

ClinVar aggregate classification (germline): Pathogenic/Likely pathogenic. Review status: criteria provided, multiple submitters, no conflicts (2 of 4 stars). 4 submissions from 4 submitters: Pathogenic (1); Likely pathogenic (2). 1 of the submissions does not count toward it. Last evaluated 2024-05-09.

Conditions:
Glycogen storage disease, type V (GSD5). Also called: PYGM DEFICIENCY; McArdle type glycogen storage disease; MYOPHOSPHORYLASE DEFICIENCY; MCARDLE DISEASE; MUSCLE GLYCOGEN PHOSPHORYLASE DEFICIENCY. Identifiers: Orphanet 368, MedGen C0017924, MONDO:0009293, OMIM 232600.

Submissions (4):

Natera, Inc.
Classification: Likely pathogenic for Glycogen storage disease V. Last evaluated: 2024-05-09. Review status: criteria provided, single submitter. Criteria: Natera Variant Classification Schema (03/2026). Collection method: clinical testing. Allele origin: germline.
Comment: The c.251_261delACTACCTGTCT variant in PYGM is a frameshift variant predicted to shift the reading frame beginning at codon 84 and leads to a stop codon 23 codons downstream. This variant is expected to result in nonsense mediated decay, truncation, or a dysfunctional protein product. This variant is rare in the general population with a frequency below the threshold expected for the associated phenotype(s). Given the available evidence, this variant is classified as Likely Pathogenic.

Baylor Genetics
Classification: Likely pathogenic for Glycogen storage disease, type V. Last evaluated: 2023-06-19. Review status: criteria provided, single submitter. Criteria: ACMG Guidelines, 2015. Collection method: clinical testing. Allele origin: unknown.

Labcorp Genetics (formerly Invitae), Labcorp
Classification: Pathogenic for Glycogen storage disease, type V. Last evaluated: 2021-01-15. Review status: criteria provided, single submitter. Criteria: Invitae Variant Classification Sherloc (09022015). Collection method: clinical testing. Allele origin: germline.
Comment: For these reasons, this variant has been classified as Pathogenic. This variant has not been reported in the literature in individuals with PYGM-related conditions. ClinVar contains an entry for this variant (Variation ID: 370224). This variant is not present in population databases (ExAC no frequency). This sequence change creates a premature translational stop signal (p.Tyr84Phefs*23) in the PYGM gene. It is expected to result in an absent or disrupted protein product. Loss-of-function variants in PYGM are known to be pathogenic (PMID: 8316268, 16786513).

Counsyl
Classification: Likely pathogenic for Glycogen storage disease, type V. Last evaluated: 2015-12-16. Review status: no assertion criteria provided. Collection method: clinical testing. Allele origin: unknown. Not counted in ClinVar's aggregate classification.

Literature cited by the submitters: PubMed 8316268 (cited by Labcorp Genetics (formerly Invitae), Labcorp); PubMed 16786513 (cited by Labcorp Genetics (formerly Invitae), Labcorp).

NM_005609.4(PYGM):c.251_261del (p.Tyr84fs)

Gene: PYGM (glycogen phosphorylase, muscle associated; minus strand). Cytogenetic location: 11q13.1.
Variant type: Deletion.
Coding change: c.251_261del on transcript NM_005609.4 (MANE Select); coding-DNA positions 251 to 261, 11 bases deleted (ACTACCTGTCT).
Protein change: p.Tyr84fs; shifts the reading frame from tyrosine 84.
Molecular consequence: frameshift variant. On other transcripts: intron variant (1).
Genome position (GRCh38, 1-based): chr11:64,758,687-64,758,697, AGACAGGTAGT deleted on the plus strand (ACTACCTGTCT on the coding strand, the reverse complement: PYGM is on the minus strand); deleting any 11 consecutive bases within chr11:64,758,687-64,758,700 gives the same sequence; the c. name uses the placement nearest the transcript's 3' end. VCF-style (leftmost placement, unchanged base first): chr11-64758686-AAGACAGGTAGT-A. GRCh37 (hg19) VCF-style: chr11-64526158-AAGACAGGTAGT-A.
Other names: c.244-431_244-421del (NM_001164716.1); c.251_261delACTACCTGTCT (NM_005609.3); short protein forms Y84fs.
Identifiers: ClinVar variation 370224 (VCV000370224.10), dbSNP rs1057516329, ClinGen allele CA16041503.